The following is an entry in ClinVar:

ClinVar aggregate classification (germline): Uncertain significance (1 of 4 stars; one submission).

Conditions:
Hypertrophic cardiomyopathy 26. Also called: Cardiomyopathy, familial hypertrophic, 26. Identifiers: Orphanet 75249, MedGen C4310749, MONDO:0014883, OMIM 617047.
Myofibrillar myopathy 5. Also called: Filaminopathy (type); FILAMINOPATHY, AUTOSOMAL DOMINANT. Identifiers: Orphanet 171445, MedGen C1836050, MONDO:0012289, OMIM 609524.
Distal myopathy with posterior leg and anterior hand involvement. Also called: WILLIAMS DISTAL MYOPATHY. Identifiers: Orphanet 63273, MedGen C3279722, MONDO:0013550, OMIM 614065.

Submission:

Labcorp Genetics (formerly Invitae), Labcorp
Classification: Uncertain significance for Distal myopathy with posterior leg and anterior hand involvement; Myofibrillar myopathy 5; Hypertrophic cardiomyopathy 26. Last evaluated: 2023-07-03. Review status: criteria provided, single submitter. Criteria: Invitae Variant Classification Sherloc (09022015). Collection method: clinical testing. Allele origin: germline.
Comment: This sequence change replaces alanine, which is neutral and non-polar, with valine, which is neutral and non-polar, at codon 900 of the FLNC protein (p.Ala900Val). This variant is not present in population databases (gnomAD no frequency). This variant has not been reported in the literature in individuals affected with FLNC-related conditions. Advanced modeling of protein sequence and biophysical properties (such as structural, functional, and spatial information, amino acid conservation, physicochemical variation, residue mobility, and thermodynamic stability) has been performed at Invitae for this missense variant, however the output from this modeling did not meet the statistical confidence thresholds required to predict the impact of this variant on FLNC protein function. In summary, the available evidence is currently insufficient to determine the role of this variant in disease. Therefore, it has been classified as a Variant of Uncertain Significance.

NM_001458.5(FLNC):c.2699C>T (p.Ala900Val)

Gene: FLNC (filamin C; plus strand). Cytogenetic location: 7q32.1.
Variant type: single nucleotide variant.
Coding change: c.2699C>T on transcript NM_001458.5 (MANE Select); coding-DNA position 2699, C replaced by T.
Protein change: p.Ala900Val; replaces alanine 900 with valine.
Molecular consequence: missense variant.
Genome position (GRCh38, 1-based): chr7:128,843,465, C>T. VCF-style: chr7-128843465-C-T. GRCh37 (hg19) VCF-style: chr7-128483519-C-T.
Other names: c.2699C>T, p.Ala900Val (NM_001127487.2); short protein forms A900V.
Identifiers: ClinVar variation 2949535 (VCV002949535.3), dbSNP rs2536633783, ClinGen allele CA369192944.
Genomic context (GRCh38, chr7:128,843,465, plus strand): 5'-CAGGTGTGGAAGTCGGGAAGCCCACCCACTTCACGGTGCTGACCAAGGGAGCCGGCAAGG[C>T]CAAGCTGGATGTGCAGTTTGCAGGGACAGCCAAGGGCGAGGTTGTGCGGGACTTTGAGAT-3'
Protein context (NP_001449.3, residues 890-910): FTVLTKGAGK[Ala900Val]KLDVQFAGTA